The following is an entry in ClinVar:

NM_004656.4(BAP1):c.932-12G>A

Gene: BAP1 (BRCA1 associated deubiquitinase 1; minus strand). Cytogenetic location: 3p21.1.
Variant type: single nucleotide variant.
Coding change: c.932-12G>A on transcript NM_004656.4 (MANE Select); 12 bases into the intron before coding-DNA position 932, G replaced by A.
Molecular consequence: intron variant.
Genome position (GRCh38, 1-based): chr3:52,405,306, C>T on the plus strand (G>A on the coding strand, the complement: BAP1 is on the minus strand). VCF-style: chr3-52405306-C-T. GRCh37 (hg19) VCF-style: chr3-52439322-C-T.
Other names: c.878-12G>A (NM_001410772.1).
Identifiers: ClinVar variation 3379161 (VCV003379161.3).
Genomic context (GRCh38, chr3:52,405,306, plus strand): 5'-CTGTGGGATGGGGCTTGTGCGCATGAACCAGCCGCCTCCTCTGCACCATCTGAGACAGGG[C>T]AAGAACACAGGCAGGACCTCCAGTAGGATCTCCAAGAAAAGCTCACAGTCTCCCCGGCCC-3'

ClinVar aggregate classification (germline): Likely benign. Review status: criteria provided, multiple submitters, no conflicts (2 of 4 stars). 2 submissions from 2 submitters: Likely benign (2). Last evaluated 2024-07-15.

Conditions:
BAP1-related tumor predisposition syndrome (TPDS1). Also called: Tumor susceptibility linked to germline BAP1 mutations; BAP1 tumor predisposition syndrome; COMMON Syndrome; TUMOR PREDISPOSITION SYNDROME 1. Identifiers: Orphanet 289539, MedGen C3280492, MONDO:0013692, OMIM 614327.

Submissions (2):

Myriad Genetics, Inc.
Classification: Likely benign for BAP1-related tumor predisposition syndrome. Last evaluated: 2024-07-15. Review status: criteria provided, single submitter. Criteria: Myriad Autosomal Dominant, Autosomal Recessive and X-Linked Classification Criteria (2023). Collection method: clinical testing. Allele origin: unknown.
Comment: This variant is considered likely benign. This variant is intronic and is not expected to impact mRNA splicing.

Labcorp Genetics (formerly Invitae), Labcorp
Classification: Likely benign for BAP1-related tumor predisposition syndrome. Last evaluated: 2024-05-07. Review status: criteria provided, single submitter. Criteria: Invitae Variant Classification Sherloc (09022015). Collection method: clinical testing. Allele origin: germline.